The following is an entry in ClinVar:

ClinVar aggregate classification (germline): Uncertain significance (1 of 4 stars; one submission).

Conditions:
Familial thoracic aortic aneurysm and aortic dissection (TAAD). Also called: Thoracic aortic aneurysms and dissections. Identifiers: Orphanet 91387, MedGen C4707243, MONDO:0019625.

Submission:

Ambry Genetics
Classification: Uncertain significance for Familial thoracic aortic aneurysm and aortic dissection. Last evaluated: 2026-06-20. Review status: criteria provided, single submitter. Criteria: Ambry Variant Classification Scheme 2023. Collection method: clinical testing. Allele origin: germline.
Comment: The p.D2213E variant (also known as c.6639T>G), located in coding exon 53 of the FBN2 gene, results from a T to G substitution at nucleotide position 6639. The aspartic acid at codon 2213 is replaced by glutamic acid, an amino acid with highly similar properties. This amino acid position is conserved. In addition, this alteration is predicted to be deleterious by in silico analysis. Based on the available evidence, the clinical significance of this variant remains unclear.

NM_001999.4(FBN2):c.6639T>G (p.Asp2213Glu)

Gene: FBN2 (fibrillin 2; minus strand). Cytogenetic location: 5q23.3.
Variant type: single nucleotide variant.
Coding change: c.6639T>G on transcript NM_001999.4 (MANE Select); coding-DNA position 6639, T replaced by G.
Protein change: p.Asp2213Glu; replaces aspartic acid 2213 with glutamic acid.
Molecular consequence: missense variant.
Genome position (GRCh38, 1-based): chr5:128,288,556, A>C on the plus strand (T>G on the coding strand, the complement: FBN2 is on the minus strand). VCF-style: chr5-128288556-A-C. GRCh37 (hg19) VCF-style: chr5-127624248-A-C.
Other names: short protein forms D2213E.
Identifiers: ClinVar variation 5021619 (VCV005021619.1).